The following is an entry in ClinVar:

ClinVar aggregate classification (germline): Uncertain significance. Review status: criteria provided, multiple submitters, no conflicts (2 of 4 stars). 2 submissions from 2 submitters: Uncertain significance (2). Last evaluated 2022-11-28.

Conditions:
Periodic fever-infantile enterocolitis-autoinflammatory syndrome. Also called: Autoinflammation with infantile enterocolitis. Identifiers: Orphanet 436166, MedGen C4015067, MONDO:0014472, OMIM 616050.
Familial cold autoinflammatory syndrome 4 (FCAS4). Identifiers: Orphanet 47045, Orphanet 576349, MedGen C4015276, MONDO:0014498, OMIM 616115.

Allele frequency attached by ClinVar (database versions not stated): TOPMed below 0.00001; gnomAD 0.00001.
gnomAD v4.1: 16 of 1,613,546 alleles (0.00099%); highest among the groups gnomAD compares: Non-Finnish European, 0.0014%; no homozygotes.

Submissions (2):

Labcorp Genetics (formerly Invitae), Labcorp
Classification: Uncertain significance for Periodic fever-infantile enterocolitis-autoinflammatory syndrome; Familial cold autoinflammatory syndrome 4. Last evaluated: 2022-11-28. Review status: criteria provided, single submitter. Criteria: Invitae Variant Classification Sherloc (09022015). Collection method: clinical testing. Allele origin: germline.
Comment: This variant is not present in population databases (gnomAD no frequency). This sequence change replaces serine, which is neutral and polar, with proline, which is neutral and non-polar, at codon 734 of the NLRC4 protein (p.Ser734Pro). This variant has not been reported in the literature in individuals affected with NLRC4-related conditions. Advanced modeling of protein sequence and biophysical properties (such as structural, functional, and spatial information, amino acid conservation, physicochemical variation, residue mobility, and thermodynamic stability) performed at Invitae indicates that this missense variant is not expected to disrupt NLRC4 protein function. In summary, the available evidence is currently insufficient to determine the role of this variant in disease. Therefore, it has been classified as a Variant of Uncertain Significance.

Blueprint Genetics
Classification: Uncertain significance. Last evaluated: 2019-05-31. Review status: criteria provided, single submitter. Criteria: ACMG Guidelines, 2015. Collection method: clinical testing. Allele origin: germline.

NM_001199138.2(NLRC4):c.2200T>C (p.Ser734Pro)

Gene: NLRC4 (NLR family CARD domain containing 4; minus strand). Cytogenetic location: 2p22.3.
Variant type: single nucleotide variant.
Coding change: c.2200T>C on transcript NM_001199138.2 (MANE Select); coding-DNA position 2200, T replaced by C.
Protein change: p.Ser734Pro; replaces serine 734 with proline.
Molecular consequence: missense variant. On other transcripts: intron variant (1).
Genome position (GRCh38, 1-based): chr2:32,249,664, A>G on the plus strand (T>C on the coding strand, the complement: NLRC4 is on the minus strand). VCF-style: chr2-32249664-A-G. GRCh37 (hg19) VCF-style: chr2-32474733-A-G.
Other names: c.2200T>C, p.Ser734Pro (NM_021209.5, NM_001199139.2); c.262+2755T>C (NM_001302504.1); short protein forms S734P.
Identifiers: ClinVar variation 2931299 (VCV002931299.4), dbSNP rs1293619680, ClinGen allele CA346510740.
Genomic context (GRCh38, chr2:32,249,664, plus strand): 5'-TACCCGGCAGCCGTTGATTCTGTAGGTCATGAATACTCAAGGTTTTCAGGTTTGTTACAG[A>G]TGTGATGTGCCTCTCATCTTCTATGGTGAGGGGACTGGCTTCCACCATGAGAGAATAAAT-3'
Protein context (NP_001186067.1, residues 724-744): LTIEDERHIT[Ser734Pro]VTNLKTLSIH